The following is an entry in ClinVar:

ClinVar aggregate classification (germline): Uncertain significance (1 of 4 stars; one submission).

Conditions:
Syndromic multisystem autoimmune disease due to ITCH deficiency. Also called: AUTOIMMUNE DISEASE, MULTISYSTEM, WITH FACIAL DYSMORPHISM. Identifiers: Orphanet 228426, MedGen C3150649, MONDO:0013245, OMIM 613385.

Allele frequency attached by ClinVar (database versions not stated): gnomAD 0.00001; TOPMed 0.00004.
gnomAD v4.1: 1 of 1,613,842 alleles (0.000062%); highest among the groups gnomAD compares: Admixed American, 0.0017%; no homozygotes.

Submission:

Labcorp Genetics (formerly Invitae), Labcorp
Classification: Uncertain significance for Syndromic multisystem autoimmune disease due to ITCH deficiency. Last evaluated: 2022-07-27. Review status: criteria provided, single submitter. Criteria: Invitae Variant Classification Sherloc (09022015). Collection method: clinical testing. Allele origin: germline.
Comment: This sequence change replaces asparagine, which is neutral and polar, with aspartic acid, which is acidic and polar, at codon 459 of the ITCH protein (p.Asn459Asp). This variant is not present in population databases (gnomAD no frequency). This variant has not been reported in the literature in individuals affected with ITCH-related conditions. ClinVar contains an entry for this variant (Variation ID: 1061674). Algorithms developed to predict the effect of missense changes on protein structure and function are either unavailable or do not agree on the potential impact of this missense change (SIFT: "Not Available"; PolyPhen-2: "Probably Damaging"; Align-GVGD: "Not Available"). In summary, the available evidence is currently insufficient to determine the role of this variant in disease. Therefore, it has been classified as a Variant of Uncertain Significance.

NM_031483.7(ITCH):c.1375A>G (p.Asn459Asp)

Gene: ITCH (itchy E3 ubiquitin protein ligase; plus strand). Cytogenetic location: 20q11.22.
Variant type: single nucleotide variant.
Coding change: c.1375A>G on transcript NM_031483.7 (MANE Select); coding-DNA position 1375, A replaced by G.
Protein change: p.Asn459Asp; replaces asparagine 459 with aspartic acid.
Molecular consequence: missense variant.
Genome position (GRCh38, 1-based): chr20:34,462,172, A>G. VCF-style: chr20-34462172-A-G. GRCh37 (hg19) VCF-style: chr20-33049977-A-G.
Other names: c.1498A>G, p.Asn500Asp (NM_001257137.3, NM_001324197.2); c.1045A>G, p.Asn349Asp (NM_001257138.3); c.1375A>G, p.Asn459Asp (NM_001324198.2); short protein forms N349D, N459D, N500D.
Identifiers: ClinVar variation 1061674 (VCV001061674.7), dbSNP rs1986590915, ClinGen allele CA408666494.